The following is an entry in ClinVar:

NM_000246.4(CIITA):c.2828_2829insTG (p.Ser944fs)

Gene: CIITA (class II major histocompatibility complex transactivator; plus strand). Cytogenetic location: 16p13.13.
Variant type: Insertion.
Coding change: c.2828_2829insTG on transcript NM_000246.4 (MANE Select); coding-DNA positions 2828 to 2829, TG inserted.
Protein change: p.Ser944fs; shifts the reading frame from serine 944.
Molecular consequence: frameshift variant. On other transcripts: non-coding transcript variant (1).
Genome position: GRCh38 VCF-style: chr16-10910199-C-CTG. GRCh37 (hg19) VCF-style: chr16-11004056-C-CTG.
Other names: c.2831_2832insTG, p.Ser945fs (NM_001379332.1, NM_001286402.1); c.2828_2829insTG, p.Ser944fs (NM_001379333.1); c.2759_2760insTG, p.Ser921fs (NM_001379334.1); c.1076_1077insTG, p.Ser360fs (NM_001286403.2); c.2684_2685insTG, p.Ser896fs (NM_001379330.1); c.2681_2682insTG, p.Ser895fs (NM_001379331.1); short protein forms S895fs, S921fs, S944fs, S896fs, S360fs, S945fs.
Identifiers: ClinVar variation 1459361 (VCV001459361.6), dbSNP rs2144800871, ClinGen allele CA2573151898.

ClinVar aggregate classification (germline): Pathogenic (1 of 4 stars; one submission).

Conditions:
MHC class II deficiency. Also called: BLS, TYPE II; Bare lymphocyte syndrome 2. Identifiers: Orphanet 572, MedGen C5447452, MONDO:0008855.

Submission:

Labcorp Genetics (formerly Invitae), Labcorp
Classification: Pathogenic for MHC class II deficiency. Last evaluated: 2020-12-27. Review status: criteria provided, single submitter. Criteria: Invitae Variant Classification Sherloc (09022015). Collection method: clinical testing. Allele origin: germline.
Comment: This variant is not present in population databases (ExAC no frequency). This sequence change creates a premature translational stop signal (p.Ser944Alafs*15) in the CIITA gene. It is expected to result in an absent or disrupted protein product. Loss-of-function variants in CIITA are known to be pathogenic (PMID: 8402893, 9099848, 26271388). This variant has not been reported in the literature in individuals with CIITA-related conditions. For these reasons, this variant has been classified as Pathogenic.

Literature cited by the submitters: PubMed 8402893; PubMed 9099848; PubMed 26271388.